The following is an entry in ClinVar:

ClinVar aggregate classification (germline): Uncertain significance (1 of 4 stars; one submission).

Conditions:
Peroxisome biogenesis disorder 11A (Zellweger). Also called: Peroxisome biogenesis disorder 11A. Identifiers: Orphanet 912, MedGen C3554000, MONDO:0013949, OMIM 614883.

Allele frequency attached by ClinVar (database versions not stated): gnomAD exomes 0.00001.
gnomAD v4.1: 7 of 1,550,550 alleles (0.00045%); highest among the groups gnomAD compares: Non-Finnish European, 0.00061%; no homozygotes.

Submission:

Labcorp Genetics (formerly Invitae), Labcorp
Classification: Uncertain significance for Peroxisome biogenesis disorder 11A (Zellweger). Last evaluated: 2022-07-12. Review status: criteria provided, single submitter. Criteria: Invitae Variant Classification Sherloc (09022015). Collection method: clinical testing. Allele origin: germline.
Comment: Algorithms developed to predict the effect of missense changes on protein structure and function output the following: SIFT: "Tolerated"; PolyPhen-2: "Benign"; Align-GVGD: "Class C0". The leucine amino acid residue is found in multiple mammalian species, which suggests that this missense change does not adversely affect protein function. In summary, the available evidence is currently insufficient to determine the role of this variant in disease. Therefore, it has been classified as a Variant of Uncertain Significance. ClinVar contains an entry for this variant (Variation ID: 1347391). This variant has not been reported in the literature in individuals affected with PEX13-related conditions. This variant is not present in population databases (gnomAD no frequency). This sequence change replaces proline, which is neutral and non-polar, with leucine, which is neutral and non-polar, at codon 18 of the PEX13 protein (p.Pro18Leu).

NM_002618.4(PEX13):c.53C>T (p.Pro18Leu)

Genes: PEX13 (peroxisomal biogenesis factor 13; plus strand), PUS10 (pseudouridine synthase 10; minus strand). Cytogenetic location: 2p15.
Variant type: single nucleotide variant.
Coding change: c.53C>T on transcript NM_002618.4 (MANE Select); coding-DNA position 53, C replaced by T.
Protein change: p.Pro18Leu; replaces proline 18 with leucine.
Molecular consequence: missense variant. On other transcripts: intron variant (2).
Genome position (GRCh38, 1-based): chr2:61,017,812, C>T. VCF-style: chr2-61017812-C-T. GRCh37 (hg19) VCF-style: chr2-61244947-C-T.
Other names: c.-16+196G>A (NM_144709.4); c.-623+196G>A (NM_001322127.1); short protein forms P18L.
Identifiers: ClinVar variation 1347391 (VCV001347391.8), dbSNP rs2104787557, ClinGen allele CA346936992.